The following is an entry in ClinVar:

NM_000702.4(ATP1A2):c.1726C>A (p.Pro576Thr)

Gene: ATP1A2 (ATPase Na+/K+ transporting subunit alpha 2; plus strand). Cytogenetic location: 1q23.2.
Variant type: single nucleotide variant.
Coding change: c.1726C>A on transcript NM_000702.4 (MANE Select); coding-DNA position 1726, C replaced by A.
Protein change: p.Pro576Thr; replaces proline 576 with threonine.
Molecular consequence: missense variant.
Genome position (GRCh38, 1-based): chr1:160,130,496, C>A. VCF-style: chr1-160130496-C-A. GRCh37 (hg19) VCF-style: chr1-160100286-C-A.
Other names: short protein forms P576T.
Identifiers: ClinVar variation 2010835 (VCV002010835.4), dbSNP rs755312525, ClinGen allele CA343244243.

ClinVar aggregate classification (germline): Uncertain significance (1 of 4 stars; one submission).

Conditions:
Familial hemiplegic migraine. Identifiers: MedGen C0338484, MONDO:0000700.

Submission:

Labcorp Genetics (formerly Invitae), Labcorp
Classification: Uncertain significance for Familial hemiplegic migraine. Last evaluated: 2022-06-26. Review status: criteria provided, single submitter. Criteria: Invitae Variant Classification Sherloc (09022015). Collection method: clinical testing. Allele origin: germline.
Comment: In summary, the available evidence is currently insufficient to determine the role of this variant in disease. Therefore, it has been classified as a Variant of Uncertain Significance. Advanced modeling of protein sequence and biophysical properties (such as structural, functional, and spatial information, amino acid conservation, physicochemical variation, residue mobility, and thermodynamic stability) performed at Invitae indicates that this missense variant is not expected to disrupt ATP1A2 protein function. This variant has not been reported in the literature in individuals affected with ATP1A2-related conditions. This variant is not present in population databases (gnomAD no frequency). This sequence change replaces proline, which is neutral and non-polar, with threonine, which is neutral and polar, at codon 576 of the ATP1A2 protein (p.Pro576Thr).